The following is an entry in ClinVar:

ClinVar aggregate classification (germline): Uncertain significance. Review status: criteria provided, multiple submitters, no conflicts (2 of 4 stars). 5 submissions from 5 submitters: Uncertain significance (5). Last evaluated 2024-03-11.

Conditions:
Cenani-Lenz syndactyly syndrome. Also called: SYNDACTYLY, TYPE VII; CENANI SYNDACTYLISM. Identifiers: Orphanet 3258, MedGen C1859309, MONDO:0008931, OMIM 212780.
Sclerosteosis 2 (SOST2). Identifiers: Orphanet 3152, MedGen C3280402, MONDO:0013679, OMIM 614305.
Congenital myasthenic syndrome 17. Identifiers: Orphanet 590, MedGen C4225377, MONDO:0014578, OMIM 616304.
Inborn genetic diseases. Identifiers: MedGen C0950123, MeSH D030342.

Allele frequency attached by ClinVar (database versions not stated): gnomAD 0.00006; gnomAD exomes 0.00007 and 0.00016; ExAC 0.00012; TOPMed 0.00015.
gnomAD v4.1: 122 of 1,614,022 alleles (0.0076%); highest among the groups gnomAD compares: Middle Eastern, 0.18%; 1 homozygote.

Submissions (5):

Fulgent Genetics
Classification: Uncertain significance for Cenani-Lenz syndactyly syndrome; Sclerosteosis 2; Congenital myasthenic syndrome 17. Last evaluated: 2024-03-11. Review status: criteria provided, single submitter. Criteria: ACMG Guidelines, 2015. Collection method: clinical testing. Allele origin: germline.

Labcorp Genetics (formerly Invitae), Labcorp
Classification: Uncertain significance for Cenani-Lenz syndactyly syndrome; Sclerosteosis 2; Congenital myasthenic syndrome 17. Last evaluated: 2022-11-01. Review status: criteria provided, single submitter. Criteria: Invitae Variant Classification Sherloc (09022015). Collection method: clinical testing. Allele origin: germline.
Comment: This sequence change replaces arginine, which is basic and polar, with glutamine, which is neutral and polar, at codon 1838 of the LRP4 protein (p.Arg1838Gln). This variant is present in population databases (rs770309253, gnomAD 0.1%). This variant has not been reported in the literature in individuals affected with LRP4-related conditions. ClinVar contains an entry for this variant (Variation ID: 373466). Advanced modeling of protein sequence and biophysical properties (such as structural, functional, and spatial information, amino acid conservation, physicochemical variation, residue mobility, and thermodynamic stability) performed at Invitae indicates that this missense variant is not expected to disrupt LRP4 protein function. In summary, the available evidence is currently insufficient to determine the role of this variant in disease. Therefore, it has been classified as a Variant of Uncertain Significance.

Ambry Genetics
Classification: Uncertain significance for Inborn genetic diseases. Last evaluated: 2021-09-30. Review status: criteria provided, single submitter. Criteria: Ambry Variant Classification Scheme 2023. Collection method: clinical testing. Allele origin: germline.

GeneDx
Classification: Uncertain significance. Last evaluated: 2020-02-25. Review status: criteria provided, single submitter. Criteria: GeneDx Variant Classification Process June 2021. Collection method: clinical testing. Allele origin: germline. Affected: yes.
Comment: In silico analysis supports that this missense variant does not alter protein structure/function; Has not been previously published as pathogenic or benign to our knowledge

Illumina Laboratory Services, Illumina
Classification: Uncertain significance for Cenani-Lenz syndactyly syndrome. Last evaluated: 2018-01-12. Review status: criteria provided, single submitter. Criteria: ICSL Variant Classification Criteria 13 December 2019. Collection method: clinical testing. Allele origin: germline.

NM_002334.4(LRP4):c.5513G>A (p.Arg1838Gln)

Genes: LRP4 (LDL receptor related protein 4; minus strand), LRP4-AS1 (LRP4 antisense RNA 1; plus strand). Cytogenetic location: 11p11.2.
Variant type: single nucleotide variant.
Coding change: c.5513G>A on transcript NM_002334.4 (MANE Select); coding-DNA position 5513, G replaced by A.
Protein change: p.Arg1838Gln; replaces arginine 1838 with glutamine.
Molecular consequence: missense variant.
Genome position (GRCh38, 1-based): chr11:46,859,188, C>T on the plus strand (G>A on the coding strand, the complement: LRP4 is on the minus strand). VCF-style: chr11-46859188-C-T. GRCh37 (hg19) VCF-style: chr11-46880739-C-T.
Other names: short protein forms R1838Q.
Identifiers: ClinVar variation 373466 (VCV000373466.15), dbSNP rs770309253, ClinGen allele CA5968998.